The following is an entry in ClinVar:

NM_020774.4(MIB1):c.2437T>A (p.Ser813Thr)

Gene: MIB1 (MIB E3 ubiquitin protein ligase 1; plus strand). Cytogenetic location: 18q11.2.
Variant type: single nucleotide variant.
Coding change: c.2437T>A on transcript NM_020774.4 (MANE Select); coding-DNA position 2437, T replaced by A.
Protein change: p.Ser813Thr; replaces serine 813 with threonine.
Molecular consequence: missense variant.
Genome position (GRCh38, 1-based): chr18:21,849,239, T>A. VCF-style: chr18-21849239-T-A. GRCh37 (hg19) VCF-style: chr18-19429200-T-A.
Other names: short protein forms S813T.
Identifiers: ClinVar variation 2563666 (VCV002563666.2), dbSNP rs1426993943, ClinGen allele CA401796164.
Genomic context (GRCh38, chr18:21,849,239, plus strand): 5'-ATACTTTCTTTTATTAGTGGTCAAGTGGGTTCTCGGAGTCCTTCTATGATTAGTAATGAT[T>A]CTGAAACCTTAGAAGAGTGTATGGTGTGCTCAGATATGAAGAGAGATACTCTTTTTGGTC-3'
Protein context (NP_065825.1, residues 803-823): SRSPSMISND[Ser813Thr]ETLEECMVCS

ClinVar aggregate classification (germline): Uncertain significance (1 of 4 stars; one submission).

Conditions:
Inborn genetic diseases. Identifiers: MedGen C0950123, MeSH D030342.

Submission:

Ambry Genetics
Classification: Uncertain significance for Inborn genetic diseases. Last evaluated: 2023-03-16. Review status: criteria provided, single submitter. Criteria: Ambry Variant Classification Scheme 2023. Collection method: clinical testing. Allele origin: germline.
Comment: The p.S813T variant (also known as c.2437T>A), located in coding exon 17 of the MIB1 gene, results from a T to A substitution at nucleotide position 2437. The serine at codon 813 is replaced by threonine, an amino acid with similar properties. This amino acid position is conserved. In addition, this alteration is predicted to be tolerated by in silico analysis. Since supporting evidence is limited at this time, the clinical significance of this alteration remains unclear.